The following is an entry in ClinVar:

ClinVar aggregate classification (germline): Pathogenic/Likely pathogenic. Review status: criteria provided, multiple submitters, no conflicts (2 of 4 stars). 2 submissions from 2 submitters: Pathogenic (1); Likely pathogenic (1). Last evaluated 2024-03-29.

Conditions:
Deafness, congenital heart defects, and posterior embryotoxon (DCHE). Identifiers: MedGen C1866053, MONDO:0060713, OMIM 617992.
Tetralogy of Fallot (TOF). Identifiers: Orphanet 3303, MedGen C0039685, MONDO:0008542, OMIM 187500, HP:0001636.
Alagille syndrome due to a JAG1 point mutation. Also called: HEPATIC DUCTULAR HYPOPLASIA, SYNDROMATIC; Alagille Syndrome 1; JAG1-Related Alagille Syndrome. Identifiers: Orphanet 261619, Orphanet 52, MedGen C1956125, MONDO:0016862, OMIM 118450.
Charcot-Marie-Tooth disease, axonal, Type 2HH. Also called: CHARCOT-MARIE-TOOTH NEUROPATHY, TYPE 2HH. Identifiers: MedGen C5562003, MONDO:0030458, OMIM 619574.

Submissions (2):

Fulgent Genetics
Classification: Likely pathogenic for Alagille syndrome due to a JAG1 point mutation; Tetralogy of Fallot; Deafness, congenital heart defects, and posterior embryotoxon; Charcot-Marie-Tooth disease, axonal, Type 2HH. Last evaluated: 2024-03-29. Review status: criteria provided, single submitter. Criteria: ACMG Guidelines, 2015. Collection method: clinical testing. Allele origin: germline.

GeneDx
Classification: Pathogenic. Last evaluated: 2017-01-04. Review status: criteria provided, single submitter. Criteria: GeneDx Variant Classification (06012015). Collection method: clinical testing. Allele origin: germline. Affected: yes.
Comment: The c.311delG pathogenic variant in the JAG1 gene causes a frameshift starting with codon Glycine 104, changes this amino acid to an Alanine residue and creates a premature Stop codon at position 57 of the new reading frame, denoted p.Gly104AlafsX57. This pathogenic variant is predicted to cause loss of normal protein function either through protein truncation or nonsense-mediated mRNA decay. The c.311delG variant was not observed in approximately 6,500 individuals of European and African American ancestry in the NHLBI Exome Sequencing Project, indicating it is not a common benign variant in these populations.

NM_000214.3(JAG1):c.311del (p.Gly104fs)

Gene: JAG1 (jagged canonical Notch ligand 1; minus strand). Cytogenetic location: 20p12.2.
Variant type: Deletion.
Coding change: c.311del on transcript NM_000214.3 (MANE Select); coding-DNA position 311, one base deleted (G; older notation c.311delG).
Protein change: p.Gly104fs; shifts the reading frame from glycine 104.
Molecular consequence: frameshift variant.
Genome position (GRCh38, 1-based): chr20:10,672,777, C deleted on the plus strand (G on the coding strand, the reverse complement: JAG1 is on the minus strand); the first of 5 consecutive C bases (chr20:10,672,777-10,672,781); deleting any one gives the same sequence. VCF-style (leftmost placement, unchanged base first): chr20-10672776-GC-G. GRCh37 (hg19) VCF-style: chr20-10653424-GC-G.
Other names: c.311del, p.Gly104fs (LRG_1191t1); short protein forms G104fs.
Identifiers: ClinVar variation 280608 (VCV000280608.3), dbSNP rs886041782, ClinGen allele CA10603355.